The following is an entry in ClinVar:

ClinVar aggregate classification (germline): Uncertain significance (1 of 4 stars; one submission).

Submission:

Labcorp Genetics (formerly Invitae), Labcorp
Classification: Uncertain significance. Last evaluated: 2025-03-10. Review status: criteria provided, single submitter. Criteria: Invitae Variant Classification Sherloc (09022015). Collection method: clinical testing. Allele origin: germline.
Comment: This sequence change replaces lysine, which is basic and polar, with asparagine, which is neutral and polar, at codon 250 of the CAPN5 protein (p.Lys250Asn). This variant is not present in population databases (gnomAD no frequency). This missense change has been observed in individual(s) with autosomal dominant neovascular inflammatory vitreoretinopathy (PMID: 25856303). It has also been observed to segregate with disease in related individuals. ClinVar contains an entry for this variant (Variation ID: 1052281). Invitae Evidence Modeling of protein sequence and biophysical properties (such as structural, functional, and spatial information, amino acid conservation, physicochemical variation, residue mobility, and thermodynamic stability) indicates that this missense variant is not expected to disrupt CAPN5 protein function with a negative predictive value of 80%. In summary, the available evidence is currently insufficient to determine the role of this variant in disease. Therefore, it has been classified as a Variant of Uncertain Significance.

Literature cited by the submitters: PubMed 25856303.

NM_004055.5(CAPN5):c.750G>T (p.Lys250Asn)

Gene: CAPN5 (calpain 5; plus strand). Cytogenetic location: 11q13.5.
Variant type: single nucleotide variant.
Coding change: c.750G>T on transcript NM_004055.5 (MANE Select); coding-DNA position 750, G replaced by T.
Protein change: p.Lys250Asn; replaces lysine 250 with asparagine.
Molecular consequence: missense variant.
Genome position (GRCh38, 1-based): chr11:77,115,445, G>T. VCF-style: chr11-77115445-G-T. GRCh37 (hg19) VCF-style: chr11-76826491-G-T.
Other names: short protein forms K250N.
Identifiers: ClinVar variation 1052281 (VCV001052281.9), dbSNP rs1950456995, ClinGen allele CA381938748.
Genomic context (GRCh38, chr11:77,115,445, plus strand): 5'-CCCTCCACAGGCAGTGACAGCAGCTGACATGGAGGCCCGCCTGGCGTGCGGCCTGGTAAA[G>T]GGCCACGCATACGCCGTCACTGATGTGCGCAAGGTGCGCCTGGGCCACGGCCTACTGGCC-3'
Protein context (NP_004046.2, residues 240-260): MEARLACGLV[Lys250Asn]GHAYAVTDVR